The following is an entry in ClinVar:

NM_001377.3(DYNC2H1):c.4219C>T (p.Gln1407Ter)

Gene: DYNC2H1 (dynein cytoplasmic 2 heavy chain 1; plus strand). Cytogenetic location: 11q22.3.
Variant type: single nucleotide variant.
Coding change: c.4219C>T on transcript NM_001377.3 (MANE Select); coding-DNA position 4219, C replaced by T.
Protein change: p.Gln1407Ter; replaces glutamine 1407 with a stop codon.
Molecular consequence: nonsense.
Genome position (GRCh38, 1-based): chr11:103,158,768, C>T. VCF-style: chr11-103158768-C-T. GRCh37 (hg19) VCF-style: chr11-103029497-C-T.
Other names: c.4219C>T, p.Gln1407Ter (NM_001080463.2); short protein forms Q1407*.
Identifiers: ClinVar variation 2439947 (VCV002439947.8), dbSNP rs1395482031, ClinGen allele CA382276187.

ClinVar aggregate classification (germline): Pathogenic/Likely pathogenic. Review status: criteria provided, multiple submitters, no conflicts (2 of 4 stars). 4 submissions from 4 submitters: Pathogenic (3); Likely pathogenic (1). Last evaluated 2026-01-13.

Conditions:
Jeune thoracic dystrophy. Also called: Short-rib thoracic dysplasia; Jeune syndrome; Infantile thoracic dystrophy; Thoracic pelvic phalangeal dystrophy; Jeune's syndrome; Chondroectodermal dysplasia-like syndrome. Identifiers: Orphanet 474, MedGen C0265275, MONDO:0018770.
Asphyxiating thoracic dystrophy 3. Also called: SHORT-RIB THORACIC DYSPLASIA 3 WITH OR WITHOUT POLYDACTYLY; POLYDACTYLY WITH NEONATAL CHONDRODYSTROPHY, TYPE I; SHORT-RIB THORACIC DYSPLASIA 3/6 WITH POLYDACTYLY, DIGENIC; Short rib polydactyly syndrome 2B; Saldino-Noonan Syndrome. Identifiers: Orphanet 474, Orphanet 93269, Orphanet 93270, Orphanet 93271, MedGen C0036069, MONDO:0013127, OMIM 613091.

Allele frequency attached by ClinVar (database versions not stated): gnomAD exomes below 0.00001; TOPMed below 0.00001.
gnomAD v4.1: 7 of 1,505,524 alleles (0.00046%); highest among the groups gnomAD compares: Non-Finnish European, 0.00054%; no homozygotes.

Submissions (4):

Women's Health and Genetics/Laboratory Corporation of America, LabCorp
Classification: Pathogenic for Asphyxiating thoracic dystrophy 3. Last evaluated: 2026-01-13. Review status: criteria provided, single submitter. Criteria: LabCorp Variant Classification Summary - May 2015. Collection method: clinical testing. Allele origin: germline.
Comment: Variant summary: DYNC2H1 c.4219C>T (p.Gln1407X) results in a premature termination codon, predicted to cause a truncation of the encoded protein or absence of the protein due to nonsense mediated decay, which are commonly known mechanisms for disease. The variant allele was found at a frequency of 6.8e-06 in 147202 control chromosomes. To our knowledge, no occurrence of c.4219C>T in individuals affected with DYNC2H1-related conditions and no experimental evidence demonstrating its impact on protein function have been reported. ClinVar contains an entry for this variant (Variation ID: 2439947). Based on the evidence outlined above, the variant was classified as pathogenic.

Labcorp Genetics (formerly Invitae), Labcorp
Classification: Pathogenic for Jeune thoracic dystrophy. Last evaluated: 2024-06-26. Review status: criteria provided, single submitter. Criteria: Invitae Variant Classification Sherloc (09022015). Collection method: clinical testing. Allele origin: germline.
Comment: This sequence change creates a premature translational stop signal (p.Gln1407*) in the DYNC2H1 gene. It is expected to result in an absent or disrupted protein product. Loss-of-function variants in DYNC2H1 are known to be pathogenic (PMID: 23339108, 32753734, 33755199). The frequency data for this variant in the population databases is considered unreliable, as metrics indicate poor data quality at this position in the gnomAD database. This variant has not been reported in the literature in individuals affected with DYNC2H1-related conditions. ClinVar contains an entry for this variant (Variation ID: 2439947). Algorithms developed to predict the effect of sequence changes on RNA splicing suggest that this variant may disrupt the consensus splice site. For these reasons, this variant has been classified as Pathogenic.

Myriad Genetics, Inc.
Classification: Pathogenic for Asphyxiating thoracic dystrophy 3. Last evaluated: 2024-05-20. Review status: criteria provided, single submitter. Criteria: Myriad Autosomal Dominant, Autosomal Recessive and X-Linked Classification Criteria (2023). Collection method: clinical testing. Allele origin: unknown.
Comment: NM_001377.2(DYNC2H1):c.4219C>T(Q1407*) is expected to be pathogenic in the context of DYNC2H1-related disorders. This variant is predicted to lead to an abnormal or absent protein product due to the creation of a premature termination codon in DYNC2H1, a gene where loss-of-function variants are known to be pathogenic. Please note: this variant was assessed in the context of healthy population screening.

Revvity Omics, Revvity
Classification: Likely pathogenic for Asphyxiating thoracic dystrophy 3. Last evaluated: 2022-08-31. Review status: criteria provided, single submitter. Criteria: ACMG Guidelines, 2015. Collection method: clinical testing. Allele origin: germline.

Literature cited by the submitters: PubMed 23339108 (cited by Labcorp Genetics (formerly Invitae), Labcorp); PubMed 32753734 (cited by Labcorp Genetics (formerly Invitae), Labcorp); PubMed 33755199 (cited by Labcorp Genetics (formerly Invitae), Labcorp).